The following is an entry in ClinVar:

NM_024312.5(GNPTAB):c.2148G>C (p.Leu716Phe)

Gene: GNPTAB (N-acetylglucosamine-1-phosphate transferase subunits alpha and beta; minus strand). Cytogenetic location: 12q23.2.
Variant type: single nucleotide variant.
Coding change: c.2148G>C on transcript NM_024312.5 (MANE Select); coding-DNA position 2148, G replaced by C.
Protein change: p.Leu716Phe; replaces leucine 716 with phenylalanine.
Molecular consequence: missense variant.
Genome position (GRCh38, 1-based): chr12:101,764,769, C>G on the plus strand (G>C on the coding strand, the complement: GNPTAB is on the minus strand). VCF-style: chr12-101764769-C-G. GRCh37 (hg19) VCF-style: chr12-102158547-C-G.
Other names: short protein forms L716F.
Identifiers: ClinVar variation 373482 (VCV000373482.7), dbSNP rs374600127, ClinGen allele CA6746467.

ClinVar aggregate classification (germline): Uncertain significance. Review status: criteria provided, multiple submitters, no conflicts (2 of 4 stars). 4 submissions from 4 submitters: Uncertain significance (3). 1 of the submissions does not count toward it. Last evaluated 2024-10-24.

Conditions:
Inborn genetic diseases. Identifiers: MedGen C0950123, MeSH D030342.
Mucolipidosis type II. Also called: ML II ALPHA/BETA; Mucolipidosis 2; ML 2; Inclusion cell disease; Leroy Disease; N-acetylglucosamine 1phosphotransferase deficiency. Identifiers: Orphanet 576, MedGen C2673377, MONDO:0009650, OMIM 252500.
Pseudo-Hurler polydystrophy. Also called: ML III; ML III ALPHA/BETA; Mucolipidosis III Alpha/Beta; Type III Mucolipidosis; ML IIIA; MUCOLIPIDOSIS IIIA. Identifiers: Orphanet 423461, Orphanet 577, MedGen C0033788, MONDO:0018931, OMIM 252600.

Allele frequency attached by ClinVar (database versions not stated): 1000 Genomes Project 0.00040; TOPMed 0.00013; 1000 Genomes Project 30x 0.00031.
gnomAD v4.1: 34 of 1,614,184 alleles (0.0021%); highest among the groups gnomAD compares: African/African-American, 0.028%; no homozygotes.

Submissions (4):

Labcorp Genetics (formerly Invitae), Labcorp
Classification: Uncertain significance for Pseudo-Hurler polydystrophy; Mucolipidosis type II. Last evaluated: 2024-10-24. Review status: criteria provided, single submitter. Criteria: Invitae Variant Classification Sherloc (09022015). Collection method: clinical testing. Allele origin: germline.
Comment: This sequence change replaces leucine, which is neutral and non-polar, with phenylalanine, which is neutral and non-polar, at codon 716 of the GNPTAB protein (p.Leu716Phe). This variant is present in population databases (rs374600127, gnomAD 0.03%). This variant has not been reported in the literature in individuals affected with GNPTAB-related conditions. ClinVar contains an entry for this variant (Variation ID: 373482). Invitae Evidence Modeling of protein sequence and biophysical properties (such as structural, functional, and spatial information, amino acid conservation, physicochemical variation, residue mobility, and thermodynamic stability) indicates that this missense variant is not expected to disrupt GNPTAB protein function with a negative predictive value of 80%. In summary, the available evidence is currently insufficient to determine the role of this variant in disease. Therefore, it has been classified as a Variant of Uncertain Significance.

Ambry Genetics
Classification: Uncertain significance for Inborn genetic diseases. Last evaluated: 2021-04-28. Review status: criteria provided, single submitter. Criteria: Ambry Variant Classification Scheme 2023. Collection method: clinical testing. Allele origin: germline.

GeneDx
Classification: Uncertain significance. Last evaluated: 2016-12-08. Review status: criteria provided, single submitter. Criteria: GeneDx Variant Classification (06012015). Collection method: clinical testing. Allele origin: germline. Affected: yes.
Comment: The L716F variant in the GNPTAB gene has not been reported previously as a pathogenic variant, nor as a benign variant, to our knowledge. The L716F variant was not observed in approximately 6500 individuals of European and African American ancestry in the NHLBI Exome Sequencing Project, indicating it is not a common benign variant in these populations. The L716F variant is a conservative amino acid substitution, which is not likely to impact secondary protein structure as these residues share similar properties. In addition, this substitution occurs at a position that is not conserved across species. However, in silico analysis is inconsistent in its predictions as to whether or not the variant is damaging to the protein structure/function. Therefore, we interpret L716F as a variant of uncertain significance.

Natera, Inc.
Classification: Uncertain significance for Mucolipidosis type II. Last evaluated: 2019-10-28. Review status: no assertion criteria provided. Collection method: clinical testing. Allele origin: germline. Not counted in ClinVar's aggregate classification.